The following is an entry in ClinVar:

NM_001165963.4(SCN1A):c.2872_2881del (p.Asp958fs)

Gene: SCN1A (sodium voltage-gated channel alpha subunit 1; minus strand). Cytogenetic location: 2q24.3.
Variant type: Deletion.
Coding change: c.2872_2881del on transcript NM_001165963.4 (MANE Select); coding-DNA positions 2872 to 2881, 10 bases deleted (GACTGTATGG; older notation c.2872_2881delGACTGTATGG).
Protein change: p.Asp958fs; shifts the reading frame from aspartic acid 958.
Molecular consequence: frameshift variant. On other transcripts: non-coding transcript variant (1).
Genome position (GRCh38, 1-based): chr2:166,037,841-166,037,850, CCATACAGTC deleted on the plus strand (GACTGTATGG on the coding strand, the reverse complement: SCN1A is on the minus strand); deleting any 10 consecutive bases within chr2:166,037,841-166,037,853 gives the same sequence; the c. name uses the placement nearest the transcript's 3' end. VCF-style (leftmost placement, unchanged base first): chr2-166037840-TCCATACAGTC-T. GRCh37 (hg19) VCF-style: chr2-166894350-TCCATACAGTC-T.
Other names: c.2788_2797del, p.Asp930fs (NM_001165964.3, NM_001353957.2, NM_001353958.2); c.2872_2881del, p.Asp958fs (NM_001202435.3, NM_001353948.2); c.2839_2848del, p.Asp947fs (NM_001353949.2, NM_001353950.2, NM_001353951.2 and 2 more transcripts); c.2836_2845del, p.Asp946fs (NM_001353954.2, NM_001353955.2); c.2785_2794del, p.Asp929fs (NM_001353960.2); c.430_439del, p.Asp144fs (NM_001353961.2); short protein forms D144fs, D929fs, D947fs, D930fs, D946fs, D958fs.
Identifiers: ClinVar variation 189974 (VCV000189974.1), dbSNP rs794726808, ClinGen allele CA303457.

ClinVar aggregate classification (germline): Pathogenic (1 of 4 stars; one submission).

Conditions:
Severe myoclonic epilepsy in infancy (DRVT). Also called: Epileptic encephalopathy, early infantile, 6 (Dravet syndrome); SEVERE MYOCLONIC EPILEPSY OF INFANCY; DEVELOPMENTAL AND EPILEPTIC ENCEPHALOPATHY 6A; Severe Myoclonic Epilepsy in Infancy (SMEI); Dravet syndrome. Identifiers: Orphanet 33069, MedGen C0751122, MONDO:0100135, OMIM 607208.

Submission:

Center for Bioinformatics, Peking University
Classification: Pathogenic for Dravet syndrome. Last evaluated: 2014-12-20. Review status: criteria provided, single submitter. Criteria: Xu et al. (Hum Mutat. 2015). Collection method: research. Allele origin: de novo. Affected: yes. Observed: 1 variant allele. Study: University Clinical Cooperation “985 Project” PKU-2014-1-1.
Comment: Dravet syndrome (DS) probands were recruited from the outpatient and inpatient child neurology units of Peking University First Hospital from 2005 till present. The study was approved by the Ethics Committee of Peking University First Hospital and the Institutional Review Board at Peking University. Participants or their parents provided written informed consent before enrollment. We collected a total of 267 mutations from 255 families with probands diagnosed with DS in China. All probands fulfilled the clinical diagnostic criteria.